The following is an entry in ClinVar:

NM_001267550.2(TTN):c.71895C>A (p.Asp23965Glu)

Genes: TTN (titin; minus strand), TTN-AS1 (TTN antisense RNA 1; plus strand). Cytogenetic location: 2q31.2.
Variant type: single nucleotide variant.
Coding change: c.71895C>A on transcript NM_001267550.2 (MANE Select); coding-DNA position 71895, C replaced by A.
Protein change: p.Asp23965Glu; replaces aspartic acid 23965 with glutamic acid.
Molecular consequence: missense variant.
Genome position (GRCh38, 1-based): chr2:178,574,237, G>T on the plus strand (C>A on the coding strand, the complement: TTN is on the minus strand). VCF-style: chr2-178574237-G-T. GRCh37 (hg19) VCF-style: chr2-179438964-G-T.
Other names: c.66972C>A, p.Asp22324Glu (NM_001256850.1); c.44700C>A, p.Asp14900Glu (NM_003319.4); c.64191C>A, p.Asp21397Glu (NM_133378.4); c.45075C>A, p.Asp15025Glu (NM_133432.3); c.45276C>A, p.Asp15092Glu (NM_133437.4); short protein forms D22324E, D23965E, D15092E, D14900E, D15025E, D21397E.
Identifiers: ClinVar variation 513425 (VCV000513425.4), dbSNP rs772655984, ClinGen allele CA1990572.

ClinVar aggregate classification (germline): Uncertain significance (1 of 4 stars; one submission).

Allele frequency attached by ClinVar (database versions not stated): TOPMed below 0.00001.
gnomAD v4.1: 6 of 1,613,096 alleles (0.00037%); highest among the groups gnomAD compares: South Asian, 0.0011%; no homozygotes.

Submission:

GeneDx
Classification: Uncertain significance. Last evaluated: 2020-01-16. Review status: criteria provided, single submitter. Criteria: GeneDx Variant Classification Process June 2021. Collection method: clinical testing. Allele origin: germline. Affected: yes.
Comment: Not observed at a significant frequency in large population cohorts (Lek et al., 2016); Missense variant in a gene in which most reported pathogenic variants are truncating/loss-of-function